The following is an entry in ClinVar:

ClinVar aggregate classification (germline): Uncertain significance (1 of 4 stars; one submission).

gnomAD v4.1: 5 of 1,613,932 alleles (0.00031%); highest among the groups gnomAD compares: South Asian, 0.0011%; no homozygotes.

Submission:

Labcorp Genetics (formerly Invitae), Labcorp
Classification: Uncertain significance. Last evaluated: 2025-08-14. Review status: criteria provided, single submitter. Criteria: Invitae Variant Classification Sherloc (09022015). Collection method: clinical testing. Allele origin: germline.
Comment: This sequence change replaces arginine, which is basic and polar, with tryptophan, which is neutral and slightly polar, at codon 464 of the RUNX2 protein (p.Arg464Trp). This variant is present in population databases (rs373218126, gnomAD 0.0009%). This variant has not been reported in the literature in individuals affected with RUNX2-related conditions. Invitae Evidence Modeling of protein sequence and biophysical properties (such as structural, functional, and spatial information, amino acid conservation, physicochemical variation, residue mobility, and thermodynamic stability) has been performed for this missense variant. However, the output from this modeling did not meet the statistical confidence thresholds required to predict the impact of this variant on RUNX2 protein function. In summary, the available evidence is currently insufficient to determine the role of this variant in disease. Therefore, it has been classified as a Variant of Uncertain Significance.

NM_001024630.4(RUNX2):c.1390C>T (p.Arg464Trp)

Gene: RUNX2 (RUNX family transcription factor 2; plus strand). Cytogenetic location: 6p21.1.
Variant type: single nucleotide variant.
Coding change: c.1390C>T on transcript NM_001024630.4 (MANE Select); coding-DNA position 1390, C replaced by T.
Protein change: p.Arg464Trp; replaces arginine 464 with tryptophan.
Molecular consequence: missense variant.
Genome position (GRCh38, 1-based): chr6:45,547,129, C>T. VCF-style: chr6-45547129-C-T. GRCh37 (hg19) VCF-style: chr6-45514866-C-T.
Other names: c.1324C>T, p.Arg442Trp (NM_001015051.4); c.1282C>T, p.Arg428Trp (NM_001278478.2); c.1348C>T, p.Arg450Trp (NM_001369405.1); short protein forms R442W, R428W, R464W, R450W.
Identifiers: ClinVar variation 4705377 (VCV004705377.1).
Genomic context (GRCh38, chr6:45,547,129, plus strand): 5'-TATCTCTACTATGGCACTTCGTCAGGATCCTATCAGTTTCCCATGGTGCCGGGGGGAGAC[C>T]GGTCTCCTTCCAGAATGCTTCCGCCATGCACCACCACCTCGAATGGCAGCACGCTATTAA-3'
Protein context (NP_001019801.3, residues 454-474): YQFPMVPGGD[Arg464Trp]SPSRMLPPCT